The following is an entry in ClinVar:

ClinVar aggregate classification (germline): Conflicting classifications of pathogenicity. Review status: criteria provided, conflicting classifications (1 of 4 stars). 11 submissions from 11 submitters: Uncertain significance (9); Likely benign (1). 1 of the submissions does not count toward it. Last evaluated 2025-11-17.

Conditions:
Pheochromocytoma. Also called: MAX-Related Hereditary Paraganglioma-Pheochromocytoma Syndrome. Identifiers: Orphanet 29072, MedGen C0031511, MONDO:0008233, OMIM 171300, HP:0002666.
Hirschsprung disease, susceptibility to, 1 (HSCR1). Also called: RET-Related Hirschsprung Disease. Identifiers: Orphanet 388, MedGen C3888239, MONDO:0007723, OMIM 142623.
Familial medullary thyroid carcinoma (MTC). Also called: Thyroid cancer, familial medullary; MTC, familial; Familial Medullary Thyroid Carcinoma (FMTC). Identifiers: Orphanet 653, Orphanet 99361, MedGen C1833921, MONDO:0007958, OMIM 155240.
Multiple endocrine neoplasia type 2B. Also called: WAGENMANN-FROBOESE SYNDROME; MULTIPLE ENDOCRINE NEOPLASIA, TYPE III; MEN 2B; MUCOSAL NEUROMA SYNDROME; MULTIPLE ENDOCRINE NEOPLASIA, TYPE IIB; MEN IIB. Identifiers: Orphanet 247709, Orphanet 653, MedGen C0025269, MeSH D018814, MONDO:0008082, OMIM 162300.
Multiple endocrine neoplasia type 2A. Also called: MULTIPLE ENDOCRINE NEOPLASIA, TYPE IIA; PTC SYNDROME; SIPPLE SYNDROME; MEN 2A; MEN-2A syndrome; Pheochromocytoma and amyloid producing medullary thyroid carcinoma. Identifiers: Orphanet 247698, Orphanet 653, MedGen C0025268, MeSH D018813, MONDO:0008234, OMIM 171400.
Hereditary cancer-predisposing syndrome. Also called: Tumor predisposition; Hereditary neoplastic syndrome; Neoplastic Syndromes, Hereditary; Hereditary Cancer Syndrome. Identifiers: Orphanet 140162, MedGen C0027672, MeSH D009386, MONDO:0015356.
Multiple endocrine neoplasia, type 2 (MEN2). Identifiers: Orphanet 653, MedGen C4048306, MONDO:0019003. Disease mechanism: gain of function.

Allele frequency attached by ClinVar (database versions not stated): gnomAD 0.00001; ExAC 0.00002; gnomAD exomes 0.00002 and 0.00003; TOPMed 0.00002.
gnomAD v4.1: 47 of 1,613,990 alleles (0.0029%); highest among the groups gnomAD compares: Admixed American, 0.005%; no homozygotes.

Submissions (11):

Labcorp Genetics (formerly Invitae), Labcorp
Classification: Uncertain significance for Multiple endocrine neoplasia, type 2. Last evaluated: 2025-11-17. Review status: criteria provided, single submitter. Criteria: Invitae Variant Classification Sherloc (09022015). Collection method: clinical testing. Allele origin: germline.
Comment: This sequence change replaces alanine, which is neutral and non-polar, with valine, which is neutral and non-polar, at codon 1105 of the RET protein (p.Ala1105Val). This variant is present in population databases (rs532862288, gnomAD 0.006%). This missense change has been observed in individual(s) with congenital anomalies of the kidney or urinary tract and/or medullary thyroid cancer (PMID: 22729463, 33827484). ClinVar contains an entry for this variant (Variation ID: 201136). An algorithm developed to predict the effect of missense changes on protein structure and function (PolyPhen-2) suggests that this variant is likely to be disruptive. Experimental studies have shown that this missense change does not substantially affect RET function (PMID: 22729463). In summary, the available evidence is currently insufficient to determine the role of this variant in disease. Therefore, it has been classified as a Variant of Uncertain Significance.

Women's Health and Genetics/Laboratory Corporation of America, LabCorp
Classification: Uncertain significance. Last evaluated: 2025-09-19. Review status: criteria provided, single submitter. Criteria: LabCorp Variant Classification Summary - May 2015. Collection method: clinical testing. Allele origin: germline.
Comment: Variant summary: RET c.3314C>T (p.Ala1105Val) results in a non-conservative amino acid change in the encoded protein sequence. Algorithms developed to predict the effect of missense changes on protein structure and function are either unavailable or do not agree on the potential impact of this missense change. The variant allele was found at a frequency of 2.4e-05 in 251494 control chromosomes. The available data on variant occurrences in the general population are insufficient to allow any conclusion about variant significance. c.3314C>T has been observed in individuals affected with congenital anomalies of the kidney or urinary tract or medullary thyroid cancer (e.g. Chatterjee_2012, Qi_2021). These report(s) do not provide unequivocal conclusions about association of the variant with Huntington disease. One publication reports experimental evidence evaluating an impact on protein function, however, does not allow convincing conclusions about the variant effect (e.g. Chatterjee_2012). The following publications have been ascertained in the context of this evaluation (PMID: 22729463, 33827484). ClinVar contains an entry for this variant (Variation ID: 201136). Based on the evidence outlined above, the variant was classified as uncertain significance.

Fulgent Genetics
Classification: Uncertain significance for Hirschsprung disease, susceptibility to, 1; Familial medullary thyroid carcinoma; Multiple endocrine neoplasia type 2B; Pheochromocytoma; Multiple endocrine neoplasia type 2A. Last evaluated: 2024-05-24. Review status: criteria provided, single submitter. Criteria: ACMG Guidelines, 2015. Collection method: clinical testing. Allele origin: germline.

All of Us Research Program, National Institutes of Health
Classification: Uncertain significance for Multiple endocrine neoplasia, type 2. Last evaluated: 2024-05-14. Review status: criteria provided, single submitter. Criteria: ACMG Guidelines, 2015. Collection method: clinical testing. Allele origin: germline. Inheritance: Autosomal dominant inheritance. Observed: 5 variant alleles, 5 heterozygotes.
Comment: This missense variant replaces alanine with valine at codon 1105 of the RET protein. Computational prediction suggests that this variant may not impact protein structure and function (internally defined REVEL score threshold <= 0.5, PMID: 27666373). To our knowledge, functional studies have not been reported for this variant. This variant has been reported in two related individuals affected medullary thyroid carcinoma, these individuals also carried a pathogenic variant in the RET gene in trans that could explain the observed phenotype (PMID 33827484). This variant has been reported in an individual affected with renal dysplasia (PMID: 22729463). This variant has been identified in 6/251494 chromosomes in the general population by the Genome Aggregation Database (gnomAD). The available evidence is insufficient to determine the role of this variant in disease conclusively. Therefore, this variant is classified as a Variant of Uncertain Significance.

This study involves interpretation of variants in research participants for the purpose of population health screening. Participant phenotype was not available at the time of variant classification. Additional details can be found in publication PMID: 35346344, PMCID: PMC8962531

Color Diagnostics, LLC DBA Color Health
Classification: Uncertain significance for Multiple endocrine neoplasia, type 2. Last evaluated: 2024-04-23. Review status: criteria provided, single submitter. Criteria: ACMG Guidelines, 2015. Collection method: clinical testing. Allele origin: germline.
Comment: This missense variant replaces alanine with valine at codon 1105 of the RET protein. Computational prediction suggests that this variant may not impact protein structure and function. To our knowledge, functional studies have not been reported for this variant. This variant has been reported in two related individuals affected medullary thyroid carcinoma, these individuals also carried a pathogenic variant in the RET gene in trans that could explain the observed phenotype (PMID 33827484). This variant has been reported in an individual affected with renal dysplasia (PMID: 22729463). This variant has been identified in 6/251494 chromosomes in the general population by the Genome Aggregation Database (gnomAD). The available evidence is insufficient to determine the role of this variant in disease conclusively. Therefore, this variant is classified as a Variant of Uncertain Significance.

Baylor Genetics
Classification: Uncertain significance for Hirschsprung disease, susceptibility to, 1. Last evaluated: 2023-06-22. Review status: criteria provided, single submitter. Criteria: ACMG Guidelines, 2015. Collection method: clinical testing. Allele origin: unknown.

Ambry Genetics
Classification: Likely benign for Hereditary cancer-predisposing syndrome. Last evaluated: 2023-01-18. Review status: criteria provided, single submitter. Criteria: Ambry Variant Classification Scheme 2023. Collection method: clinical testing. Allele origin: germline.

Genetic Services Laboratory, University of Chicago
Classification: Uncertain significance. Last evaluated: 2021-12-01. Review status: criteria provided, single submitter. Criteria: ACMG Guidelines, 2015. Collection method: clinical testing. Allele origin: germline. Affected: no.
Comment: DNA sequence analysis of the RET gene demonstrated a sequence change, c.3314C>T, in exon 20 that results in an amino acid change, p.Ala1105Val. This sequence change has been described in the gnomAD database with a frequency of 0.006% in the Latino/admixed American subpopulation (dbSNP rs532862288). The p.Ala1105Val change affects a poorly conserved amino acid residue located in a domain of the RET protein that is known to be functional. In-silico pathogenicity prediction tools (SIFT, PolyPhen2, Align GVGD, REVEL) provide contradictory results for the p.Ala1105Val substitution. This sequence change does not appear to have been previously described in individuals with RET-related disorders. Due to insufficient evidences and the lack of functional studies, the clinical significance of the p.Ala1105Val change remains unknown at this time.

Mendelics
Classification: Uncertain significance for Multiple endocrine neoplasia, type 2a. Last evaluated: 2018-07-02. Review status: criteria provided, single submitter. Criteria: Mendelics Assertion Criteria 2017. Collection method: clinical testing. Allele origin: unknown.

Laboratory for Molecular Medicine, Mass General Brigham Personalized Medicine
Classification: Uncertain significance. Last evaluated: 2016-10-27. Review status: criteria provided, single submitter. Criteria: LMM Criteria. Collection method: clinical testing. Allele origin: germline.
Comment: Variant identified in a genome or exome case(s) and assessed due to predicted null impact of the variant or pathogenic assertions in the literature or databases. Disclaimer: This variant has not undergone full assessment. The following are preliminary notes: This variant is classidied as DM? in HGMD, related to urinary tract malformation. It is classified in ClinVar with 1 star as likely path by GeneDx, though their evidence provided does not support this classification. The Max MAF in ExAC is 0.02% (2/11578 Latino chrs).

Counsyl
Classification: Uncertain significance for Multiple endocrine neoplasia type 2A. Last evaluated: 2017-02-22. Review status: no assertion criteria provided. Collection method: clinical testing. Allele origin: unknown. Not counted in ClinVar's aggregate classification.

Literature cited by the submitters: PubMed 22729463 (cited by 6 submitters); PubMed 33827484 (cited by 3 submitters).

NM_020975.6(RET):c.3314C>T (p.Ala1105Val)

Gene: RET (ret proto-oncogene; plus strand). Cytogenetic location: 10q11.21.
Variant type: single nucleotide variant.
Coding change: c.3314C>T on transcript NM_020975.6 (MANE Select); coding-DNA position 3314, C replaced by T.
Protein change: p.Ala1105Val; replaces alanine 1105 with valine.
Molecular consequence: missense variant.
Genome position (GRCh38, 1-based): chr10:43,128,238, C>T. VCF-style: chr10-43128238-C-T. GRCh37 (hg19) VCF-style: chr10-43623686-C-T.
Other names: short protein forms A1105V.
Identifiers: ClinVar variation 201136 (VCV000201136.28), dbSNP rs532862288, ClinGen allele CA010953.